The following is an entry in ClinVar:

NM_000836.4(GRIN2D):c.3290_3310del (p.Arg1097_Cys1103del)

Gene: GRIN2D (glutamate ionotropic receptor NMDA type subunit 2D; plus strand). Cytogenetic location: 19q13.33.
Variant type: Deletion.
Coding change: c.3290_3310del on transcript NM_000836.4 (MANE Select); coding-DNA positions 3290 to 3310, 21 bases deleted (GCGCCGCGCCGCCCCCGTGCC).
Protein change: p.Arg1097_Cys1103del.
Molecular consequence: inframe deletion.
Genome position (GRCh38, 1-based): chr19:48,443,216-48,443,236, GCGCCGCGCCGCCCCCGTGCC deleted; deleting any 21 consecutive bases within chr19:48,443,203-48,443,236 gives the same sequence; the c. name uses the placement nearest the transcript's 3' end. VCF-style (leftmost placement, unchanged base first): chr19-48443202-TCCGCCCCCGTGCCGCGCCGCG-T. GRCh37 (hg19) VCF-style: chr19-48946459-TCCGCCCCCGTGCCGCGCCGCG-T.
Identifiers: ClinVar variation 2976606 (VCV002976606.4), dbSNP rs780314340, ClinGen allele CA9550822.

ClinVar aggregate classification (germline): Conflicting classifications of pathogenicity. Review status: criteria provided, conflicting classifications (1 of 4 stars). 2 submissions from 2 submitters: Uncertain significance (1); Likely benign (1). Last evaluated 2025-02-16.

Submissions (2):

Laboratory of Genetics, Children's Clinical University Hospital Latvia
Classification: Likely benign. Last evaluated: 2025-02-16. Review status: criteria provided, single submitter. Criteria: ACMG Guidelines, 2015. Collection method: clinical testing. Allele origin: germline. Affected: yes.

Labcorp Genetics (formerly Invitae), Labcorp
Classification: Uncertain significance. Last evaluated: 2023-06-23. Review status: criteria provided, single submitter. Criteria: Invitae Variant Classification Sherloc (09022015). Collection method: clinical testing. Allele origin: germline.
Comment: In summary, the available evidence is currently insufficient to determine the role of this variant in disease. Therefore, it has been classified as a Variant of Uncertain Significance. Experimental studies and prediction algorithms are not available or were not evaluated, and the functional significance of this variant is currently unknown. This variant has not been reported in the literature in individuals affected with GRIN2D-related conditions. This variant is present in population databases (rs780314340, gnomAD 0.02%). This variant, c.3290_3310del, results in the deletion of 7 amino acid(s) of the GRIN2D protein (p.Arg1097_Cys1103del), but otherwise preserves the integrity of the reading frame.